The following is an entry in ClinVar:

ClinVar aggregate classification (germline): Uncertain significance (1 of 4 stars; one submission).

Submission:

GeneDx
Classification: Uncertain significance. Last evaluated: 2022-06-21. Review status: criteria provided, single submitter. Criteria: GeneDx Variant Classification Process June 2021. Collection method: clinical testing. Allele origin: germline. Affected: yes.
Comment: Not observed at significant frequency in large population cohorts (gnomAD); In silico analysis supports that this missense variant has a deleterious effect on protein structure/function; Has not been previously published as pathogenic or benign to our knowledge

NM_016604.4(KDM3B):c.3676G>A (p.Ala1226Thr)

Gene: KDM3B (lysine demethylase 3B; plus strand). Cytogenetic location: 5q31.2.
Variant type: single nucleotide variant.
Coding change: c.3676G>A on transcript NM_016604.4 (MANE Select); coding-DNA position 3676, G replaced by A.
Protein change: p.Ala1226Thr; replaces alanine 1226 with threonine.
Molecular consequence: missense variant.
Genome position (GRCh38, 1-based): chr5:138,419,193, G>A. VCF-style: chr5-138419193-G-A. GRCh37 (hg19) VCF-style: chr5-137754882-G-A.
Other names: short protein forms A1226T.
Identifiers: ClinVar variation 1806513 (VCV001806513.1), dbSNP rs2480293899, ClinGen allele CA361088350.